The following is an entry in ClinVar:

ClinVar aggregate classification (germline): Likely benign (0 of 4 stars; one submission).

Submission:

Department of Pathology and Laboratory Medicine, Sinai Health System
Classification: Likely benign. Review status: no assertion criteria provided. Collection method: clinical testing. Allele origin: unknown. Affected: yes. Study: The Canadian Open Genetics Repository (COGR).
Comment: The SYNE1 p.Ile6658Leu variant was not identified in the literature nor was it identified in ClinVar, Cosmic or LOVD 3.0. The variant was identified in dbSNP (ID: rs866043287) but was not identified in the following control databases: the 1000 Genomes Project, the NHLBI GO Exome Sequencing Project or the Genome Aggregation Database (Feb 27, 2017). The variant occurs outside of the splicing consensus sequence and in silico or computational prediction software programs (SpliceSiteFinder, MaxEntScan, NNSPLICE, GeneSplicer) do not predict a difference in splicing. The p.Ile6658 residue is conserved in mammals but not in more distantly related organisms and 4 of 5 computational analyses (PolyPhen-2, SIFT, AlignGVGD, BLOSUM) do not suggest a high likelihood of impact to the protein. However, this information is not predictive enough to rule out pathogenicity. In summary, based on the above information the clinical significance of this variant cannot be determined with certainty at this time although we would lean towards a more benign role for this variant. This variant is classified as likely benign.

NM_182961.4(SYNE1):c.20185A>C (p.Ile6729Leu)

Gene: SYNE1 (spectrin repeat containing nuclear envelope protein 1; minus strand). Cytogenetic location: 6q25.2.
Variant type: single nucleotide variant.
Coding change: c.20185A>C on transcript NM_182961.4 (MANE Select); coding-DNA position 20185, A replaced by C.
Protein change: p.Ile6729Leu; replaces isoleucine 6729 with leucine.
Molecular consequence: missense variant.
Genome position (GRCh38, 1-based): chr6:152,236,831, T>G on the plus strand (A>C on the coding strand, the complement: SYNE1 is on the minus strand). VCF-style: chr6-152236831-T-G. GRCh37 (hg19) VCF-style: chr6-152557966-T-G.
Other names: c.19972A>C, p.Ile6658Leu (NM_033071.5); short protein forms I6658L, I6729L.
Identifiers: ClinVar variation 1049267 (VCV001049267.1), dbSNP rs866043287, ClinGen allele CA150193480.